The following is an entry in ClinVar:

NM_001367624.2(ZNF469):c.9305A>C (p.Gln3102Pro)

Gene: ZNF469 (zinc finger protein 469; plus strand). Cytogenetic location: 16q24.2.
Variant type: single nucleotide variant.
Coding change: c.9305A>C on transcript NM_001367624.2 (MANE Select); coding-DNA position 9305, A replaced by C.
Protein change: p.Gln3102Pro; replaces glutamine 3102 with proline.
Molecular consequence: missense variant.
Genome position (GRCh38, 1-based): chr16:88,436,775, A>C. VCF-style: chr16-88436775-A-C. GRCh37 (hg19) VCF-style: chr16-88503183-A-C.
Other names: short protein forms Q3102P.
Identifiers: ClinVar variation 1462551 (VCV001462551.6), dbSNP rs2142313814, ClinGen allele CA397121795.

ClinVar aggregate classification (germline): Uncertain significance (1 of 4 stars; one submission).

Submission:

Labcorp Genetics (formerly Invitae), Labcorp
Classification: Uncertain significance. Last evaluated: 2021-11-27. Review status: criteria provided, single submitter. Criteria: Invitae Variant Classification Sherloc (09022015). Collection method: clinical testing. Allele origin: germline.
Comment: In summary, the available evidence is currently insufficient to determine the role of this variant in disease. Therefore, it has been classified as a Variant of Uncertain Significance. Algorithms developed to predict the effect of missense changes on protein structure and function output the following: SIFT: "Tolerated"; PolyPhen-2: "Benign"; Align-GVGD: "Class C0". The proline amino acid residue is found in multiple mammalian species, which suggests that this missense change does not adversely affect protein function. This variant has not been reported in the literature in individuals affected with ZNF469-related conditions. This variant is not present in population databases (gnomAD no frequency). This sequence change replaces glutamine, which is neutral and polar, with proline, which is neutral and non-polar, at codon 3074 of the ZNF469 protein (p.Gln3074Pro).